The following is an entry in ClinVar:

ClinVar aggregate classification (germline): Uncertain significance. Review status: criteria provided, multiple submitters, no conflicts (2 of 4 stars). 4 submissions from 4 submitters: Uncertain significance (4). Last evaluated 2026-02-02.

Conditions:
Hereditary cancer-predisposing syndrome. Also called: Neoplastic Syndromes, Hereditary; Tumor predisposition; Hereditary Cancer Syndrome; Hereditary neoplastic syndrome. Identifiers: Orphanet 140162, MedGen C0027672, MeSH D009386, MONDO:0015356.
Melanoma, cutaneous malignant, susceptibility to, 1 (CMM1). Also called: B-K MOLE SYNDROME; DYSPLASTIC NEVUS SYNDROME, HEREDITARY; FAMILIAL ATYPICAL MOLE-MALIGNANT MELANOMA SYNDROME; MELANOMA, MALIGNANT. Identifiers: Orphanet 618, MedGen C1835047, MONDO:0007963, OMIM 155600.
Peutz-Jeghers syndrome (PJS). Also called: Peutz-Jeghers polyposis; Periorificial lentiginosis syndrome; POLYPOSIS, HAMARTOMATOUS INTESTINAL; POLYPS-AND-SPOTS SYNDROME. Identifiers: Orphanet 2869, MedGen C0031269, MeSH D010580, MONDO:0008280, OMIM 175200.

Allele frequency attached by ClinVar (database versions not stated): gnomAD exomes below 0.00001.
gnomAD v4.1: 3 of 1,611,982 alleles (0.00019%); highest among the groups gnomAD compares: Non-Finnish European, 0.00025%; no homozygotes.

Submissions (4):

Labcorp Genetics (formerly Invitae), Labcorp
Classification: Uncertain significance for Peutz-Jeghers syndrome. Last evaluated: 2026-02-02. Review status: criteria provided, single submitter. Criteria: Invitae Variant Classification Sherloc (09022015). Collection method: clinical testing. Allele origin: germline.
Comment: This sequence change replaces isoleucine, which is neutral and non-polar, with valine, which is neutral and non-polar, at codon 267 of the STK11 protein (p.Ile267Val). This variant is not present in population databases (gnomAD no frequency). This variant has not been reported in the literature in individuals affected with STK11-related conditions. ClinVar contains an entry for this variant (Variation ID: 568685). Invitae Evidence Modeling of protein sequence and biophysical properties (such as structural, functional, and spatial information, amino acid conservation, physicochemical variation, residue mobility, and thermodynamic stability) has been performed for this missense variant. However, the output from this modeling did not meet the statistical confidence thresholds required to predict the impact of this variant on STK11 protein function. In summary, the available evidence is currently insufficient to determine the role of this variant in disease. Therefore, it has been classified as a Variant of Uncertain Significance.

Baylor Genetics
Classification: Uncertain significance for Melanoma, cutaneous malignant, susceptibility to, 1. Last evaluated: 2023-09-06. Review status: criteria provided, single submitter. Criteria: ACMG Guidelines, 2015. Collection method: clinical testing. Allele origin: unknown.

Ambry Genetics
Classification: Uncertain significance for Hereditary cancer-predisposing syndrome. Last evaluated: 2023-08-22. Review status: criteria provided, single submitter. Criteria: Ambry Variant Classification Scheme 2023. Collection method: clinical testing. Allele origin: germline.
Comment: The p.I267V variant (also known as c.799A>G), located in coding exon 6 of the STK11 gene, results from an A to G substitution at nucleotide position 799. The isoleucine at codon 267 is replaced by valine, an amino acid with highly similar properties. This amino acid position is highly conserved in available vertebrate species. In addition, the in silico prediction for this alteration is inconclusive. Since supporting evidence is limited at this time, the clinical significance of this alteration remains unclear.

Genome-Nilou Lab
Classification: Uncertain significance for Peutz-Jeghers syndrome. Last evaluated: 2021-07-15. Review status: criteria provided, single submitter. Criteria: ACMG Guidelines, 2015. Collection method: clinical testing. Allele origin: germline. Affected: no.

NM_000455.5(STK11):c.799A>G (p.Ile267Val)

Gene: STK11 (serine/threonine kinase 11; plus strand). Cytogenetic location: 19p13.3.
Variant type: single nucleotide variant.
Coding change: c.799A>G on transcript NM_000455.5 (MANE Select); coding-DNA position 799, A replaced by G.
Protein change: p.Ile267Val; replaces isoleucine 267 with valine.
Molecular consequence: missense variant.
Genome position (GRCh38, 1-based): chr19:1,221,277, A>G. VCF-style: chr19-1221277-A-G. GRCh37 (hg19) VCF-style: chr19-1221276-A-G.
Other names: short protein forms I267V.
Identifiers: ClinVar variation 568685 (VCV000568685.18), dbSNP rs1568709259, ClinGen allele CA402950551.